The following is an entry in ClinVar:

ClinVar aggregate classification (germline): Conflicting classifications of pathogenicity. Review status: criteria provided, conflicting classifications (1 of 4 stars). 2 submissions from 2 submitters: Uncertain significance (1); Likely benign (1). Last evaluated 2026-01-25.

Conditions:
Familial thoracic aortic aneurysm and aortic dissection (TAAD). Also called: Thoracic aortic aneurysms and dissections. Identifiers: Orphanet 91387, MedGen C4707243, MONDO:0019625.
Congenital contractural arachnodactyly (CCA). Also called: BEALS SYNDROME; Beals-Hecht syndrome; Arthrogryposis, distal, type 9. Identifiers: Orphanet 115, MedGen C0220668, MONDO:0007363, OMIM 121050.

gnomAD v4.1: 4 of 1,614,110 alleles (0.00025%); highest among the groups gnomAD compares: African/African-American, 0.0053%; no homozygotes.

Submissions (2):

Ambry Genetics
Classification: Uncertain significance for Familial thoracic aortic aneurysm and aortic dissection. Last evaluated: 2026-01-25. Review status: criteria provided, single submitter. Criteria: Ambry Variant Classification Scheme 2023. Collection method: clinical testing. Allele origin: germline.
Comment: The p.H2782R variant (also known as c.8345A>G), located in coding exon 64 of the FBN2 gene, results from an A to G substitution at nucleotide position 8345. The histidine at codon 2782 is replaced by arginine, an amino acid with highly similar properties. This amino acid position is conserved. In addition, this alteration is predicted to be tolerated by in silico analysis. Based on the available evidence, the clinical significance of this variant remains unclear.

Labcorp Genetics (formerly Invitae), Labcorp
Classification: Likely benign for Congenital contractural arachnodactyly. Last evaluated: 2024-12-11. Review status: criteria provided, single submitter. Criteria: Invitae Variant Classification Sherloc (09022015). Collection method: clinical testing. Allele origin: germline.

NM_001999.4(FBN2):c.8345A>G (p.His2782Arg)

Gene: FBN2 (fibrillin 2; minus strand). Cytogenetic location: 5q23.3.
Variant type: single nucleotide variant.
Coding change: c.8345A>G on transcript NM_001999.4 (MANE Select); coding-DNA position 8345, A replaced by G.
Protein change: p.His2782Arg; replaces histidine 2782 with arginine.
Molecular consequence: missense variant.
Genome position (GRCh38, 1-based): chr5:128,261,755, T>C on the plus strand (A>G on the coding strand, the complement: FBN2 is on the minus strand). VCF-style: chr5-128261755-T-C. GRCh37 (hg19) VCF-style: chr5-127597447-T-C.
Other names: c.8345A>G (NM_001999.3); short protein forms H2782R.
Identifiers: ClinVar variation 3702614 (VCV003702614.3).
Genomic context (GRCh38, chr5:128,261,755, plus strand): 5'-GGGATAAAATTTTGTGGCAACACAGAGTGGGATATACTCACAGCAGTGGGATCAGGTTCA[T>C]GAATACTTCTCTTCTGCCTGCTGTCTTTCTTAGAATAGCCGTTGATTTTGCACTCGTAGC-3'
Protein context (NP_001990.2, residues 2772-2792): KKDSRQKRSI[His2782Arg]EPDPTAVEQI